The following is an entry in ClinVar:

ClinVar aggregate classification (germline): Uncertain significance. Review status: criteria provided, multiple submitters, no conflicts (2 of 4 stars). 2 submissions from 2 submitters: Uncertain significance (2). Last evaluated 2024-11-11.

Conditions:
Left ventricular noncompaction 8 (LVNC8). Identifiers: Orphanet 154, Orphanet 54260, MedGen C3809288, MONDO:0014152, OMIM 615373.

Allele frequency attached by ClinVar (database versions not stated): gnomAD exomes 0.00002; TOPMed 0.00003; gnomAD 0.00004.
gnomAD v4.1: 27 of 1,551,434 alleles (0.0017%); highest among the groups gnomAD compares: Middle Eastern, 0.043%; no homozygotes.

Submissions (2):

Labcorp Genetics (formerly Invitae), Labcorp
Classification: Uncertain significance for Left ventricular noncompaction 8. Last evaluated: 2024-11-11. Review status: criteria provided, single submitter. Criteria: Invitae Variant Classification Sherloc (09022015). Collection method: clinical testing. Allele origin: germline.
Comment: This sequence change replaces valine, which is neutral and non-polar, with methionine, which is neutral and non-polar, at codon 1167 of the PRDM16 protein (p.Val1167Met). The frequency data for this variant in the population databases is considered unreliable, as metrics indicate poor data quality at this position in the gnomAD database. This variant has not been reported in the literature in individuals affected with PRDM16-related conditions. ClinVar contains an entry for this variant (Variation ID: 452234). An algorithm developed to predict the effect of missense changes on protein structure and function outputs the following: PolyPhen-2: "Benign". The methionine amino acid residue is found in multiple mammalian species, which suggests that this missense change does not adversely affect protein function. In summary, the available evidence is currently insufficient to determine the role of this variant in disease. Therefore, it has been classified as a Variant of Uncertain Significance.

GeneDx
Classification: Uncertain significance. Last evaluated: 2023-11-20. Review status: criteria provided, single submitter. Criteria: GeneDx Variant Classification Process June 2021. Collection method: clinical testing. Allele origin: germline. Affected: yes.
Comment: In silico analysis supports that this missense variant does not alter protein structure/function; Has not been previously published as pathogenic or benign to our knowledge

NM_022114.4(PRDM16):c.3499G>A (p.Val1167Met)

Gene: PRDM16 (PR/SET domain 16; plus strand). Cytogenetic location: 1p36.32.
Variant type: single nucleotide variant.
Coding change: c.3499G>A on transcript NM_022114.4 (MANE Select); coding-DNA position 3499, G replaced by A.
Protein change: p.Val1167Met; replaces valine 1167 with methionine.
Molecular consequence: missense variant.
Genome position (GRCh38, 1-based): chr1:3,431,086, G>A. VCF-style: chr1-3431086-G-A. GRCh37 (hg19) VCF-style: chr1-3347650-G-A.
Other names: c.3499G>A, p.Val1167Met (NM_199454.3); short protein forms V1167M.
Identifiers: ClinVar variation 452234 (VCV000452234.6), dbSNP rs1229345087, ClinGen allele CA338004292.
Genomic context (GRCh38, chr1:3,431,086, plus strand): 5'-CCCGAGCCCCAGGCCGCCTACGAGGATGAGGAGGATGAGGAGCCAGCCGCCTCCCTGGCC[G>A]TGGGCTTTGACCACACCCGAAGGTGGGGGCAGCCGTGTGCTCCAGGATGGGGCAGGGAGG-3'
Protein context (NP_071397.3, residues 1157-1177): EDEEPAASLA[Val1167Met]GFDHTRRCAE